The following is an entry in ClinVar:

NC_000012.11:g.(?_64875602)_(64879817_?)del

Gene: TBK1 (TANK binding kinase 1; plus strand). Cytogenetic location: 12q14.2.
Variant type: Deletion.
Identifiers: ClinVar variation 1460399 (VCV001460399.4).

ClinVar aggregate classification (germline): Pathogenic (1 of 4 stars; one submission).

Conditions:
Frontotemporal dementia and/or amyotrophic lateral sclerosis 4. Also called: FTDALS4. Identifiers: Orphanet 275872, MedGen C4225325, MONDO:0014641, OMIM 616439.

Submission:

Labcorp Genetics (formerly Invitae), Labcorp
Classification: Pathogenic for Frontotemporal dementia and/or amyotrophic lateral sclerosis 4. Last evaluated: 2021-09-14. Review status: criteria provided, single submitter. Criteria: Invitae Variant Classification Sherloc (09022015). Collection method: clinical testing. Allele origin: germline.
Comment: For these reasons, this variant has been classified as Pathogenic. This variant disrupts a region of the TBK1 protein in which other variant(s) (p.Arg357Gln) have been determined to be pathogenic (PMID: 25803835, 28822984, 30033073, 31000212). This suggests that this is a clinically significant region of the protein, and that variants that disrupt it are likely to be disease-causing. This variant has not been reported in the literature in individuals affected with TBK1-related conditions. This variant is a gross deletion of the genomic region encompassing exon(s) 8-11 of the TBK1 gene. This variant would be expected to be in-frame, preserving the integrity of the reading frame.

Literature cited by the submitters: PubMed 25803835; PubMed 28822984; PubMed 30033073; PubMed 31000212.